The following is an entry in ClinVar:

NM_000553.6(WRN):c.723A>C (p.Lys241Asn)

Gene: WRN (WRN RecQ like helicase; plus strand). Cytogenetic location: 8p12.
Variant type: single nucleotide variant.
Coding change: c.723A>C on transcript NM_000553.6 (MANE Select); coding-DNA position 723, A replaced by C.
Protein change: p.Lys241Asn; replaces lysine 241 with asparagine.
Molecular consequence: missense variant.
Genome position (GRCh38, 1-based): chr8:31,068,326, A>C. VCF-style: chr8-31068326-A-C. GRCh37 (hg19) VCF-style: chr8-30925842-A-C.
Other names: short protein forms K241N.
Identifiers: ClinVar variation 2102747 (VCV002102747.4), dbSNP rs2535889530, ClinGen allele CA370917212.

ClinVar aggregate classification (germline): Uncertain significance (1 of 4 stars; one submission).

Conditions:
Werner syndrome (WRN). Identifiers: Orphanet 902, MedGen C0043119, MONDO:0010196, OMIM 277700.

Submission:

Labcorp Genetics (formerly Invitae), Labcorp
Classification: Uncertain significance for Werner syndrome. Last evaluated: 2022-02-23. Review status: criteria provided, single submitter. Criteria: Invitae Variant Classification Sherloc (09022015). Collection method: clinical testing. Allele origin: germline.
Comment: In summary, the available evidence is currently insufficient to determine the role of this variant in disease. Therefore, it has been classified as a Variant of Uncertain Significance. Algorithms developed to predict the effect of sequence changes on RNA splicing suggest that this variant may disrupt the consensus splice site. Algorithms developed to predict the effect of missense changes on protein structure and function output the following: SIFT: "Not Available"; PolyPhen-2: "Benign"; Align-GVGD: "Not Available". The asparagine amino acid residue is found in multiple mammalian species, which suggests that this missense change does not adversely affect protein function. This variant has not been reported in the literature in individuals affected with WRN-related conditions. This variant is not present in population databases (gnomAD no frequency). This sequence change replaces lysine, which is basic and polar, with asparagine, which is neutral and polar, at codon 241 of the WRN protein (p.Lys241Asn).